The following is an entry in ClinVar:

ClinVar aggregate classification (germline): Uncertain significance. Review status: criteria provided, multiple submitters, no conflicts (2 of 4 stars). 2 submissions from 2 submitters: Uncertain significance (2). Last evaluated 2025-12-14.

Allele frequency attached by ClinVar (database versions not stated): gnomAD exomes 0.00002 and 0.00003; gnomAD 0.00003; ExAC 0.00004; TOPMed 0.00005; ESP Exome Variant Server 0.00008; 1000 Genomes Project 30x 0.00016; 1000 Genomes Project 0.00020.
gnomAD v4.1: 37 of 1,610,354 alleles (0.0023%); highest among the groups gnomAD compares: Admixed American, 0.02%; no homozygotes.

Submissions (2):

Labcorp Genetics (formerly Invitae), Labcorp
Classification: Uncertain significance. Last evaluated: 2025-12-14. Review status: criteria provided, single submitter. Criteria: Invitae Variant Classification Sherloc (09022015). Collection method: clinical testing. Allele origin: germline.
Comment: This sequence change replaces arginine, which is basic and polar, with cysteine, which is neutral and slightly polar, at codon 275 of the GEN1 protein (p.Arg275Cys). This variant is present in population databases (rs146276503, gnomAD 0.009%). This variant has not been reported in the literature in individuals affected with GEN1-related conditions. ClinVar contains an entry for this variant (Variation ID: 1003793). An algorithm developed to predict the effect of missense changes on protein structure and function outputs the following: PolyPhen-2: "Benign". The cysteine amino acid residue is found in multiple mammalian species, which suggests that this missense change does not adversely affect protein function. In summary, the available evidence is currently insufficient to determine the role of this variant in disease. Therefore, it has been classified as a Variant of Uncertain Significance.

Ambry Genetics
Classification: Uncertain significance. Last evaluated: 2024-11-20. Review status: criteria provided, single submitter. Criteria: Ambry Variant Classification Scheme 2023. Collection method: clinical testing. Allele origin: germline.
Comment: The p.R275C variant (also known as c.823C>T), located in coding exon 7 of the GEN1 gene, results from a C to T substitution at nucleotide position 823. The arginine at codon 275 is replaced by cysteine, an amino acid with highly dissimilar properties. This amino acid position is conserved. In addition, this alteration is predicted to be tolerated by in silico analysis. Based on the available evidence, the clinical significance of this variant remains unclear.

NM_001130009.3(GEN1):c.823C>T (p.Arg275Cys)

Gene: GEN1 (GEN1 structure-specific endonuclease; plus strand). Cytogenetic location: 2p24.2.
Variant type: single nucleotide variant.
Coding change: c.823C>T on transcript NM_001130009.3 (MANE Select); coding-DNA position 823, C replaced by T.
Protein change: p.Arg275Cys; replaces arginine 275 with cysteine.
Molecular consequence: missense variant.
Genome position (GRCh38, 1-based): chr2:17,772,654, C>T. VCF-style: chr2-17772654-C-T. GRCh37 (hg19) VCF-style: chr2-17953921-C-T.
Other names: c.823C>T, p.Arg275Cys (NM_182625.5); c.823C>T (NM_001130009.1); short protein forms R275C.
Identifiers: ClinVar variation 1003793 (VCV001003793.8), dbSNP rs146276503, ClinGen allele CA1540577.
Genomic context (GRCh38, chr2:17,772,654, plus strand): 5'-AAGGCAAAAAATATTATACTTTTTTTGGGTCTCCATAAAGGTTCACCTAAGGATCATGAA[C>T]GTAATGGATGCAGATTATGTAAAAGTGATAAATATTGTGAGCCACATGACTATGAATACT-3'
Protein context (NP_001123481.3, residues 265-285): SHPGSPKDHE[Arg275Cys]NGCRLCKSDK